The following is an entry in ClinVar:

NM_024537.4(CARS2):c.1624-1_1624inv

Gene: CARS2 (cysteinyl-tRNA synthetase 2, mitochondrial; minus strand). Cytogenetic location: 13q34.
Variant type: Inversion.
Coding change: c.1624-1_1624inv on transcript NM_024537.4 (MANE Select).
Molecular consequence: splice acceptor variant.
Genome position: GRCh38 VCF-style: chr13-110641608-CC-GG. GRCh37 (hg19) VCF-style: chr13-111293955-CC-GG.
Other names: c.838-1_838inv (NM_001352252.2).
Identifiers: ClinVar variation 1388972 (VCV001388972.5), ClinGen allele CA2573149487.
Genomic context (GRCh38, chr13:110,641,608, plus strand): 5'-ATTTTTGGTCTTTTGTCCTTTGATCCAGCAGTTCCCACGTGGATGTTGTACTGCTTCTGT[CC>GG]TGGAGAAGAAGAGTGAGGTCCAACTCTGAGCAGACACCACGTCATGTGGCACAGGGGGCT-3'

ClinVar aggregate classification (germline): Uncertain significance (1 of 4 stars; one submission).

Conditions:
Combined oxidative phosphorylation defect type 27. Also called: Combined oxidative phosphorylation deficiency 27. Identifiers: Orphanet 477774, MedGen C5567608, MONDO:0014728, OMIM 616672.

Submission:

Labcorp Genetics (formerly Invitae), Labcorp
Classification: Uncertain significance for Combined oxidative phosphorylation defect type 27. Last evaluated: 2024-02-23. Review status: criteria provided, single submitter. Criteria: Invitae Variant Classification Sherloc (09022015). Collection method: clinical testing. Allele origin: germline.
Comment: This sequence change falls in intron 14 of the CARS2 gene. It does not directly change the encoded amino acid sequence of the CARS2 protein. It affects a nucleotide within the consensus splice site. Information on the frequency of this variant in the gnomAD database is not available, as this variant may be reported differently in the database. This variant has not been reported in the literature in individuals affected with CARS2-related conditions. ClinVar contains an entry for this variant (Variation ID: 1388972). Variants that disrupt the consensus splice site are a relatively common cause of aberrant splicing (PMID: 17576681, 9536098). In summary, the available evidence is currently insufficient to determine the role of this variant in disease. Therefore, it has been classified as a Variant of Uncertain Significance.

Literature cited by the submitters: PubMed 17576681; PubMed 9536098.